The following is an entry in ClinVar:

NM_004036.5(ADCY3):c.91G>T (p.Gly31Trp)

Gene: ADCY3 (adenylate cyclase 3; minus strand). Cytogenetic location: 2p23.3.
Variant type: single nucleotide variant.
Coding change: c.91G>T on transcript NM_004036.5 (MANE Select); coding-DNA position 91, G replaced by T.
Protein change: p.Gly31Trp; replaces glycine 31 with tryptophan.
Molecular consequence: missense variant.
Genome position (GRCh38, 1-based): chr2:24,918,897, C>A on the plus strand (G>T on the coding strand, the complement: ADCY3 is on the minus strand). VCF-style: chr2-24918897-C-A. GRCh37 (hg19) VCF-style: chr2-25141766-C-A.
Other names: c.91G>T, p.Gly31Trp (NM_001320613.2, NM_001377128.1, NM_001377129.1 and 2 more transcripts); short protein forms G31W.
Identifiers: ClinVar variation 5001592 (VCV005001592.1).

ClinVar aggregate classification (germline): Uncertain significance (1 of 4 stars; one submission).

Conditions:
ADCY3-related disorder. Also called: ADCY3-related condition.

Submission:

PreventionGenetics, part of Exact Sciences
Classification: Uncertain significance for ADCY3-related condition. Last evaluated: 2025-01-07. Review status: criteria provided, single submitter. Criteria: ACMG Guidelines, 2015. Collection method: clinical testing. Allele origin: germline.
Comment: The ADCY3 c.91G>T variant is predicted to result in the amino acid substitution p.Gly31Trp. To our knowledge, this variant has not been reported in the literature or in a large population database (gnomAD), indicating this variant is rare. At this time, the clinical significance of this variant is uncertain due to the absence of conclusive functional and genetic evidence.